The following is an entry in ClinVar:

ClinVar aggregate classification (germline): Uncertain significance (0 of 4 stars; one submission).

Conditions:
PLXNA1-related disorder. Also called: PLXNA1-related condition.

gnomAD v4.1: 24 of 1,569,060 alleles (0.0015%); highest among the groups gnomAD compares: African/African-American, 0.03%; no homozygotes.

Submission:

PreventionGenetics, part of Exact Sciences
Classification: Uncertain significance for PLXNA1-related condition. Last evaluated: 2024-03-15. Review status: no assertion criteria provided. Collection method: clinical testing. Allele origin: germline.
Comment: The PLXNA1 c.31C>T variant is predicted to result in the amino acid substitution p.Leu11Phe. To our knowledge, this variant has not been reported in the literature. This variant is reported in 0.028% of alleles in individuals of African descent in gnomAD. At this time, the clinical significance of this variant is uncertain due to the absence of conclusive functional and genetic evidence.

NM_032242.4(PLXNA1):c.31C>T (p.Leu11Phe)

Gene: PLXNA1 (plexin A1; plus strand). Cytogenetic location: 3q21.3.
Variant type: single nucleotide variant.
Coding change: c.31C>T on transcript NM_032242.4 (MANE Select); coding-DNA position 31, C replaced by T.
Protein change: p.Leu11Phe; replaces leucine 11 with phenylalanine.
Molecular consequence: missense variant.
Genome position (GRCh38, 1-based): chr3:126,988,624, C>T. VCF-style: chr3-126988624-C-T. GRCh37 (hg19) VCF-style: chr3-126707467-C-T.
Other names: short protein forms L11F.
Identifiers: ClinVar variation 3352934 (VCV003352934.1).